The following is an entry in ClinVar:

NM_000373.4(UMPS):c.1147A>G (p.Thr383Ala)

Gene: UMPS (uridine monophosphate synthetase; plus strand). Cytogenetic location: 3q21.2.
Variant type: single nucleotide variant.
Coding change: c.1147A>G on transcript NM_000373.4 (MANE Select); coding-DNA position 1147, A replaced by G.
Protein change: p.Thr383Ala; replaces threonine 383 with alanine.
Molecular consequence: missense variant. On other transcripts: non-coding transcript variant (2).
Genome position (GRCh38, 1-based): chr3:124,740,188, A>G. VCF-style: chr3-124740188-A-G. GRCh37 (hg19) VCF-style: chr3-124459035-A-G.
Other names: short protein forms T383A.
Identifiers: ClinVar variation 1052913 (VCV001052913.9), dbSNP rs1204450021, ClinGen allele CA354281104.

ClinVar aggregate classification (germline): Uncertain significance (1 of 4 stars; one submission).

Conditions:
Hereditary orotic aciduria, type 1. Also called: Orotic aciduria type 1; Oroticaciduria 1. Identifiers: MedGen C0268130.

Allele frequency attached by ClinVar (database versions not stated): gnomAD 0.00001.
gnomAD v4.1: 1 of 1,611,836 alleles (0.000062%); highest among the groups gnomAD compares: Non-Finnish European, 0.000085%; no homozygotes.

Submission:

Labcorp Genetics (formerly Invitae), Labcorp
Classification: Uncertain significance for Hereditary orotic aciduria, type 1. Last evaluated: 2020-06-30. Review status: criteria provided, single submitter. Criteria: Invitae Variant Classification Sherloc (09022015). Collection method: clinical testing. Allele origin: germline.
Comment: In summary, the available evidence is currently insufficient to determine the role of this variant in disease. Therefore, it has been classified as a Variant of Uncertain Significance. Algorithms developed to predict the effect of missense changes on protein structure and function (SIFT, PolyPhen-2, Align-GVGD) all suggest that this variant is likely to be tolerated, but these predictions have not been confirmed by published functional studies and their clinical significance is uncertain. This variant has not been reported in the literature in individuals with UMPS-related conditions. This variant is not present in population databases (ExAC no frequency). This sequence change replaces threonine with alanine at codon 383 of the UMPS protein (p.Thr383Ala). The threonine residue is moderately conserved and there is a small physicochemical difference between threonine and alanine.